The following is an entry in ClinVar:

ClinVar aggregate classification (germline): Uncertain significance (1 of 4 stars; one submission).

Conditions:
Aortic aneurysm, familial thoracic 7 (AAT7). Also called: AORTIC DISSECTION, FAMILIAL, WITH OR WITHOUT AORTIC ANEURYSM. Identifiers: MedGen C3151077, MONDO:0013418, OMIM 613780.

Submission:

Labcorp Genetics (formerly Invitae), Labcorp
Classification: Uncertain significance for Aortic aneurysm, familial thoracic 7. Last evaluated: 2025-12-23. Review status: criteria provided, single submitter. Criteria: Invitae Variant Classification Sherloc (09022015). Collection method: clinical testing. Allele origin: germline.
Comment: This sequence change replaces cysteine, which is neutral and slightly polar, with tyrosine, which is neutral and polar, at codon 297 of the MYLK protein (p.Cys297Tyr). This variant is not present in population databases (gnomAD no frequency). This variant has not been reported in the literature in individuals affected with MYLK-related conditions. Invitae Evidence Modeling of protein sequence and biophysical properties (such as structural, functional, and spatial information, amino acid conservation, physicochemical variation, residue mobility, and thermodynamic stability) indicates that this missense variant is not expected to disrupt MYLK protein function with a negative predictive value of 95%. In summary, the available evidence is currently insufficient to determine the role of this variant in disease. Therefore, it has been classified as a Variant of Uncertain Significance.

NM_053025.4(MYLK):c.890G>A (p.Cys297Tyr)

Gene: MYLK (myosin light chain kinase; minus strand). Cytogenetic location: 3q21.1.
Variant type: single nucleotide variant.
Coding change: c.890G>A on transcript NM_053025.4 (MANE Select); coding-DNA position 890, G replaced by A.
Protein change: p.Cys297Tyr; replaces cysteine 297 with tyrosine.
Molecular consequence: missense variant.
Genome position (GRCh38, 1-based): chr3:123,734,106, C>T on the plus strand (G>A on the coding strand, the complement: MYLK is on the minus strand). VCF-style: chr3-123734106-C-T. GRCh37 (hg19) VCF-style: chr3-123452953-C-T.
Other names: c.362G>A, p.Cys121Tyr (NM_001321309.2); c.890G>A, p.Cys297Tyr (NM_053026.4, NM_053027.4, NM_053028.4); short protein forms C121Y, C297Y.
Identifiers: ClinVar variation 4743610 (VCV004743610.1).